The following is an entry in ClinVar:

ClinVar aggregate classification (germline): Uncertain significance (1 of 4 stars; one submission).

Conditions:
Inborn genetic diseases. Identifiers: MedGen C0950123, MeSH D030342.

Submission:

Ambry Genetics
Classification: Uncertain significance for Inborn genetic diseases. Last evaluated: 2025-08-12. Review status: criteria provided, single submitter. Criteria: Ambry Variant Classification Scheme 2023. Collection method: clinical testing. Allele origin: germline.
Comment: The c.1405G>C (p.G469R) alteration is located in exon 10 (coding exon 10) of the GRIA2 gene. This alteration results from a G to C substitution at nucleotide position 1405, causing the glycine (G) at amino acid position 469 to be replaced by an arginine (R). This variant was not reported in population-based cohorts in the Genome Aggregation Database (gnomAD). This amino acid position is highly conserved in available vertebrate species. This missense alteration is located in a region that has a low rate of benign missense variation (Lek, 2016; Firth, 2009). This alteration is predicted to be deleterious by in silico analysis. Based on insufficient or conflicting evidence, the clinical significance of this alteration remains unclear.

NM_001083619.3(GRIA2):c.1405G>C (p.Gly469Arg)

Gene: GRIA2 (glutamate ionotropic receptor AMPA type subunit 2; plus strand). Cytogenetic location: 4q32.1.
Variant type: single nucleotide variant.
Coding change: c.1405G>C on transcript NM_001083619.3 (MANE Select); coding-DNA position 1405, G replaced by C.
Protein change: p.Gly469Arg; replaces glycine 469 with arginine.
Molecular consequence: missense variant.
Genome position (GRCh38, 1-based): chr4:157,335,809, G>C. VCF-style: chr4-157335809-G-C. GRCh37 (hg19) VCF-style: chr4-158256961-G-C.
Other names: c.1405G>C, p.Gly469Arg (NM_000826.6); c.1264G>C, p.Gly422Arg (NM_001083620.3, NM_001379000.3, NM_001379001.3); short protein forms G422R, G469R.
Identifiers: ClinVar variation 4032262 (VCV004032262.2).